The following is an entry in ClinVar:

NM_001458.5(FLNC):c.2047A>G (p.Ile683Val)

Gene: FLNC (filamin C; plus strand). Cytogenetic location: 7q32.1.
Variant type: single nucleotide variant.
Coding change: c.2047A>G on transcript NM_001458.5 (MANE Select); coding-DNA position 2047, A replaced by G.
Protein change: p.Ile683Val; replaces isoleucine 683 with valine.
Molecular consequence: missense variant.
Genome position (GRCh38, 1-based): chr7:128,841,493, A>G. VCF-style: chr7-128841493-A-G. GRCh37 (hg19) VCF-style: chr7-128481547-A-G.
Other names: c.2047A>G, p.Ile683Val (NM_001127487.2); short protein forms I683V.
Identifiers: ClinVar variation 2943747 (VCV002943747.3), dbSNP rs2536628933, ClinGen allele CA369227783.
Genomic context (GRCh38, chr7:128,841,493, plus strand): 5'-AGCCTTCTTCCCTCCGCACAGGTGAAGGCCTTTGGGCCTGGCCTGGAGCCTACCGGCTGC[A>G]TCGTGGACAAGCCCGCTGAGTTCACCATTGATGCTCGTGCAGCTGGCAAGGGAGACCTGA-3'
Protein context (NP_001449.3, residues 673-693): FGPGLEPTGC[Ile683Val]VDKPAEFTID

ClinVar aggregate classification (germline): Uncertain significance (1 of 4 stars; one submission).

Conditions:
Hypertrophic cardiomyopathy 26. Also called: Cardiomyopathy, familial hypertrophic, 26. Identifiers: Orphanet 75249, MedGen C4310749, MONDO:0014883, OMIM 617047.
Myofibrillar myopathy 5. Also called: Filaminopathy (type); FILAMINOPATHY, AUTOSOMAL DOMINANT. Identifiers: Orphanet 171445, MedGen C1836050, MONDO:0012289, OMIM 609524.
Distal myopathy with posterior leg and anterior hand involvement. Also called: WILLIAMS DISTAL MYOPATHY. Identifiers: Orphanet 63273, MedGen C3279722, MONDO:0013550, OMIM 614065.

Allele frequency attached by ClinVar (database versions not stated): gnomAD exomes below 0.00001.
gnomAD v4.1: 2 of 1,614,184 alleles (0.00012%); highest among the groups gnomAD compares: Non-Finnish European, 0.00017%; no homozygotes.

Submission:

Labcorp Genetics (formerly Invitae), Labcorp
Classification: Uncertain significance for Distal myopathy with posterior leg and anterior hand involvement; Myofibrillar myopathy 5; Hypertrophic cardiomyopathy 26. Last evaluated: 2023-07-19. Review status: criteria provided, single submitter. Criteria: Invitae Variant Classification Sherloc (09022015). Collection method: clinical testing. Allele origin: germline.
Comment: This sequence change replaces isoleucine, which is neutral and non-polar, with valine, which is neutral and non-polar, at codon 683 of the FLNC protein (p.Ile683Val). This variant is not present in population databases (gnomAD no frequency). In summary, the available evidence is currently insufficient to determine the role of this variant in disease. Therefore, it has been classified as a Variant of Uncertain Significance. Advanced modeling of protein sequence and biophysical properties (such as structural, functional, and spatial information, amino acid conservation, physicochemical variation, residue mobility, and thermodynamic stability) has been performed at Invitae for this missense variant, however the output from this modeling did not meet the statistical confidence thresholds required to predict the impact of this variant on FLNC protein function. This variant has not been reported in the literature in individuals affected with FLNC-related conditions.